The following is an entry in ClinVar:

ClinVar aggregate classification (germline): Likely pathogenic. Review status: reviewed by expert panel (3 of 4 stars). 3 submissions from 3 submitters: Likely pathogenic (1). 2 of the submissions do not count toward it. Last evaluated 2026-09-26.

Conditions:
Retinal dystrophy. Also called: Inherited retinal dystrophy. Identifiers: Orphanet 71862, MedGen C0854723, MeSH D058499, MONDO:0019118, HP:0000556.
Juvenile retinoschisis (RS1). Also called: X-Linked Juvenile Retinoschisis; X-linked retinoschisis. Identifiers: Orphanet 792, MedGen C3714753, MONDO:0010725, OMIM 312700.

Submissions (3):

ClinGen X-linked Inherited Retinal Disease Variant Curation Expert Panel, ClinGen
Classification: Likely pathogenic for Juvenile retinoschisis. Last evaluated: 2026-09-26. Review status: reviewed by expert panel. Criteria: ClinGen X LinkedIRD ACMG Specifications RS1 V1.0.0. Collection method: curation. Allele origin: germline. Inheritance: X-linked inheritance.
Comment: The NM_000330.4(RS1):c.323T>G (p.Phe108Cys) variant is a missense variant encoding the substitution of Phenylalanine and Cystine at amino acid 108. This variant is absent from hemizygous individuals in gnomAD v4.1.0 (PM2_Supporting). The computational predictor REVEL gives a score of 0.885, which is within the ClinGen X-linked IRD VCEP range between 0.931 and 0.773 and predicts a damaging effect on RS1 function (PP3_moderate). The computational splicing predictor SpliceAI gives a delta score of 0.07 for donor gain, which is below the ClinGen X-linked IRD VCEP threshold of >0.2 and does not predict that the variant disrupts RS1 splicing. COS-7 cells exogenously expressing the variant exhibit loss of RS1 secretion into the medium relative to the wild-type control (PMID: 16361673, PS3_Supporting). The variant has been reported to segregate with retinal dystrophy through >3 meioses in one family (PP1_Strong; PMID: 10450864). This variant has been reported in at least 2 probands meeting the PS4 requirement of a male diagnosed with XLRS (PMID: 10450864, 34624300, PS4_Supporting) In summary, this variant is classified as likely pathogenic for X-linked retinoschisis based on the ClinGen X-linked Inherited Retinal Disease Expert Panel Specifications to the ACMG/AMP Variant Interpretation Guidelines for RS1 Version 1.0.0: PM2_Supporting, PP3_Moderate, PS3_Supporting, PS4_Supporting, and PP1_Strong.

Institute of Human Genetics, Univ. Regensburg, Univ. Regensburg
Classification: Pathogenic for Retinal dystrophy. Last evaluated: 2018-01-01. Review status: criteria provided, single submitter. Criteria: ACMG Guidelines, 2015. Collection method: clinical testing. Allele origin: germline. Affected: yes. Not counted in ClinVar's aggregate classification.

Retina International
No classification provided. Review status: no classification provided. Collection method: not provided. Allele origin: unknown. Not counted in ClinVar's aggregate classification.

Literature cited by the submitters: PubMed 10450864 (cited by Institute of Human Genetics, Univ. Regensburg, Univ. Regensburg); PubMed 16361673 (cited by Institute of Human Genetics, Univ. Regensburg, Univ. Regensburg); PubMed 34624300 (cited by Institute of Human Genetics, Univ. Regensburg, Univ. Regensburg).

NM_000330.4(RS1):c.323T>G (p.Phe108Cys)

Genes: CDKL5 (cyclin dependent kinase like 5; plus strand), RS1 (retinoschisin 1; minus strand). Cytogenetic location: Xp22.13.
Variant type: single nucleotide variant.
Coding change: c.323T>G on transcript NM_000330.4 (MANE Select); coding-DNA position 323, T replaced by G.
Protein change: p.Phe108Cys; replaces phenylalanine 108 with cysteine.
Molecular consequence: missense variant. On other transcripts: intron variant (2).
Genome position (GRCh38, 1-based): chrX:18,647,194, A>C on the plus strand (T>G on the coding strand, the complement: RS1 is on the minus strand). VCF-style: chrX-18647194-A-C. GRCh37 (hg19) VCF-style: chrX-18665314-A-C.
Other names: NM_000330.4(RS1):c.323T>G; c.2797+1104A>C (NM_003159.3, NM_001037343.2); short protein forms F108C.
Identifiers: ClinVar variation 98934 (VCV000098934.5), dbSNP rs61752072, ClinGen allele CA226677.
Genomic context (GRCh38, chrX:18,647,194, plus strand): 5'-AGAGAGGCCTATTTTTTTTTAAAAGCACATGAAAAAAAATCCCCGGGCCCTGCTTACCCA[A>C]AGCCTTGACTGTTGAGCCGGGCCTTGTTTGCAGTCCACGAAGAATACCAGCCCACATACT-3'
Protein context (NP_000321.1, residues 98-118): ANKARLNSQG[Phe108Cys]GCAWLSKFQD